The following is an entry in ClinVar:

NM_007294.4(BRCA1):c.4986+8T>C

Gene: BRCA1 (BRCA1 DNA repair associated; minus strand). Cytogenetic location: 17q21.31.
Variant type: single nucleotide variant.
Coding change: c.4986+8T>C on transcript NM_007294.4 (MANE Select); 8 bases into the intron after coding-DNA position 4986, T replaced by C.
Molecular consequence: intron variant.
Genome position (GRCh38, 1-based): chr17:43,070,920, A>G on the plus strand (T>C on the coding strand, the complement: BRCA1 is on the minus strand). VCF-style: chr17-43070920-A-G. GRCh37 (hg19) VCF-style: chr17-41222937-A-G.
Other names: c.1533+8T>C (NM_001408458.1, NM_001408461.1, NM_001408464.1 and 7 more transcripts); c.4095+8T>C (NM_001407967.1); c.4605+8T>C (NM_001407959.1); c.4719+8T>C (NM_001407931.1, NM_001407932.1, NM_001407928.1 and 4 more transcripts); c.4842+8T>C (NM_001407747.1, NM_001407745.1, NM_001407737.1 and 21 more transcripts); c.4602+8T>C (NM_001407962.1, NM_001407960.1); c.1173+8T>C (NM_001408512.1); c.1296+8T>C (NM_001408510.1); and 71 more.
Identifiers: ClinVar variation 865495 (VCV000865495.3), dbSNP rs2052351866, ClinGen allele CA916080188.

Conditions:
Breast-ovarian cancer, familial, susceptibility to, 1 (BROVCA1). Also called: BRCA1 Hereditary Breast and Ovarian Cancer; OVARIAN CANCER, SUSCEPTIBILITY TO. Identifiers: Orphanet 145, MedGen C2676676, MONDO:0011450, OMIM 604370. Disease mechanism: loss of function.

Submission:

Brotman Baty Institute, University of Washington
No classification provided (evidence only). Condition: Breast-ovarian cancer, familial 1. Review status: no classification provided. Collection method: in vitro. Allele origin: not applicable. Functional consequence: functionally_abnormal.
ClinVar note: "not provided" was previously submitted as the classification for the variant. However, the classification appeared to be based only on an observation of functional data so it was converted to no classification on 2025-07-30.